The following is an entry in ClinVar:

NM_000868.4(HTR2C):c.92C>T (p.Ala31Val)

Gene: HTR2C (5-hydroxytryptamine receptor 2C; plus strand). Cytogenetic location: Xq23.
Variant type: single nucleotide variant.
Coding change: c.92C>T on transcript NM_000868.4 (MANE Select); coding-DNA position 92, C replaced by T.
Protein change: p.Ala31Val; replaces alanine 31 with valine.
Molecular consequence: missense variant.
Genome position (GRCh38, 1-based): chrX:114,731,350, C>T. VCF-style: chrX-114731350-C-T. GRCh37 (hg19) VCF-style: chrX-113965759-C-T.
Other names: c.92C>T, p.Ala31Val (NM_001256760.3, NM_001256761.3); c.92C>T (NM_000868.2); short protein forms A31V.
Identifiers: ClinVar variation 2629527 (VCV002629527.3), dbSNP rs201249233, ClinGen allele CA10495394.

ClinVar aggregate classification (germline): Uncertain significance. Review status: criteria provided, single submitter (1 of 4 stars). 2 submissions from 2 submitters: Uncertain significance (1). 1 of the submissions does not count toward it. Last evaluated 2024-08-02.

Conditions:
HTR2C-related disorder. Also called: HTR2C-related condition.

Allele frequency attached by ClinVar (database versions not stated): TOPMed below 0.00001; ExAC 0.00001; gnomAD 0.00002; gnomAD exomes 0.00005.
gnomAD v4.1: 58 of 1,203,980 alleles (0.0048%); highest among the groups gnomAD compares: Non-Finnish European, 0.0064%; no homozygotes.

Submissions (2):

Ambry Genetics
Classification: Uncertain significance. Last evaluated: 2024-08-02. Review status: criteria provided, single submitter. Criteria: Ambry Variant Classification Scheme 2023. Collection method: clinical testing. Allele origin: germline.

PreventionGenetics, part of Exact Sciences
Classification: Uncertain significance for HTR2C-related condition. Last evaluated: 2024-09-13. Review status: no assertion criteria provided. Collection method: clinical testing. Allele origin: germline. Not counted in ClinVar's aggregate classification.
Comment: The HTR2C c.92C>T variant is predicted to result in the amino acid substitution p.Ala31Val. To our knowledge, this variant has not been reported in the literature. This variant is reported in 0.0061% of alleles in individuals of European (Non-Finnish) descent in gnomAD. At this time, the clinical significance of this variant is uncertain due to the absence of conclusive functional and genetic evidence.